The following is an entry in ClinVar:

NM_133433.4(NIPBL):c.7219C>T (p.Arg2407Ter)

Gene: NIPBL (NIPBL cohesin loading factor; plus strand). Cytogenetic location: 5p13.2.
Variant type: single nucleotide variant.
Coding change: c.7219C>T on transcript NM_133433.4 (MANE Select); coding-DNA position 7219, C replaced by T.
Protein change: p.Arg2407Ter; replaces arginine 2407 with a stop codon.
Molecular consequence: nonsense.
Genome position (GRCh38, 1-based): chr5:37,052,522, C>T. VCF-style: chr5-37052522-C-T. GRCh37 (hg19) VCF-style: chr5-37052624-C-T.
Other names: c.7219C>T, p.Arg2407Ter (NM_015384.5); short protein forms R2407*.
Identifiers: ClinVar variation 96352 (VCV000096352.13), dbSNP rs398124471, ClinGen allele CA224038.

ClinVar aggregate classification (germline): Pathogenic. Review status: criteria provided, multiple submitters, no conflicts (2 of 4 stars). 5 submissions from 5 submitters: Pathogenic (5). Last evaluated 2023-08-02.

Conditions:
Cornelia de Lange syndrome 1 (CDLS1). Also called: NIPBL-Related Cornelia de Lange Syndrome; Brachmann de Lange syndrome; TYPUS DEGENERATIVUS AMSTELODAMENSIS. Identifiers: Orphanet 199, MedGen C4551851, MONDO:0007387, OMIM 122470.

Submissions (5):

GeneDx
Classification: Pathogenic. Last evaluated: 2023-08-02. Review status: criteria provided, single submitter. Criteria: GeneDx Variant Classification Process June 2021. Collection method: clinical testing. Allele origin: germline. Affected: yes.
Comment: Nonsense variant predicted to result in protein truncation or nonsense mediated decay in a gene for which loss of function is a known mechanism of disease; Not observed at significant frequency in large population cohorts (gnomAD); This variant is associated with the following publications: (PMID: 25525159, 30098241, 17661813)

Genome-Nilou Lab
Classification: Pathogenic for Cornelia de Lange syndrome 1. Last evaluated: 2021-07-15. Review status: criteria provided, single submitter. Criteria: ACMG Guidelines, 2015. Collection method: clinical testing. Allele origin: germline. Affected: no.

Eurofins Ntd Llc (ga)
Classification: Pathogenic. Last evaluated: 2017-04-14. Review status: criteria provided, single submitter. Criteria: EGL Classification Definitions. Collection method: clinical testing. Allele origin: germline. Observed: 1 variant allele, 1 heterozygote.

Labcorp Genetics (formerly Invitae), Labcorp
Classification: Pathogenic for Cornelia de Lange syndrome 1. Last evaluated: 2017-04-07. Review status: criteria provided, single submitter. Criteria: Invitae Variant Classification Sherloc (09022015). Collection method: clinical testing. Allele origin: germline.
Comment: This sequence change creates a premature translational stop signal at codon 2407 (p.Arg2407*) of the NIPBL gene. It is expected to result in an absent or disrupted protein product. Loss-of-function variants in NIPBL are known to be pathogenic. This particular variant has been reported in the literature in and individual with Cornelia de Lange syndrome (PMID: 17661813). For these reasons, this variant has been classified as Pathogenic.

Genetic Services Laboratory, University of Chicago
Classification: Pathogenic for Cornelia de Lange syndrome 1. Last evaluated: 2013-02-08. Review status: criteria provided, single submitter. Criteria: ACMG Guidelines, 2007. Collection method: clinical testing. Allele origin: germline. Inheritance: Autosomal dominant inheritance. Affected: yes.